The following is an entry in ClinVar:

NM_006421.5(ARFGEF1):c.3138+1G>A

Gene: ARFGEF1 (ARF guanine nucleotide exchange factor 1; minus strand). Cytogenetic location: 8q13.2.
Variant type: single nucleotide variant.
Coding change: c.3138+1G>A on transcript NM_006421.5 (MANE Select); the canonical splice donor site of the intron after coding-DNA position 3138, G replaced by A.
Molecular consequence: splice donor variant.
Genome position (GRCh38, 1-based): chr8:67,238,734, C>T on the plus strand (G>A on the coding strand, the complement: ARFGEF1 is on the minus strand). VCF-style: chr8-67238734-C-T. GRCh37 (hg19) VCF-style: chr8-68150969-C-T.
Other names: c.3138+1G>A (NM_001413186.1, NM_001413187.1, NM_001413185.1 and 6 more transcripts); c.2538+1G>A (NM_001413188.1, NM_001413197.1, NM_001413193.1); c.1713+1G>A (NM_001413196.1); c.3132+1G>A (NM_001413190.1).
Identifiers: ClinVar variation 4057297 (VCV004057297.1).

ClinVar aggregate classification (germline): Likely pathogenic (1 of 4 stars; one submission).

Conditions:
Developmental delay, impaired speech, and behavioral abnormalities, with or without seizures (DEDISB). Identifiers: MedGen C5575272, MONDO:0859263, OMIM 619964.

Submission:

Diagnostics Services (NGS), CSIR - Centre For Cellular And Molecular Biology
Classification: Likely pathogenic for Developmental delay, impaired speech, and behavioral abnormalities, with or without seizures. Last evaluated: 2025-05-09. Review status: criteria provided, single submitter. Criteria: ACMG Guidelines, 2015. Collection method: clinical testing. Allele origin: unknown. Affected: yes. Observed: 1 variant allele, 1 heterozygote.
Comment: The c.3138+1G>A variant is not present in 1000 Genomes, EVS, gnomAD, Indian Exome Database or our internal database. This variant has neither been published in literature in individuals affected with ARFGEF1-related conditions nor reported to the clinical databases like Human Genome Mutation Database (HGMD), ClinVar or OMIM, in any affected individuals. Algorithms developed to predict the effect of sequence changes on RNA splicing suggest that this variant can disrupt the consensus splice site. In-silico pathogenicity prediction programs like HSF3.1, MutationTaster2, CADD, Varsome etc predicted the variant to be likely deleterious, however these predictions were not confirmed by published functional/translational studies.